The following is an entry in ClinVar:

ClinVar aggregate classification (germline): Pathogenic/Likely pathogenic. Review status: criteria provided, multiple submitters, no conflicts (2 of 4 stars). 20 submissions from 20 submitters: Pathogenic (11); Likely pathogenic (6). 3 of the submissions do not count toward it. Last evaluated 2026-04-14.

Conditions:
Cystic renal disease.
PKD1-related disorder. Also called: PKD1-related condition.
Polycystic kidney disease 3 with or without polycystic liver disease. Also called: Polycystic Kidney and/or Polycystic Liver Disease 3; Polycystic kidney disease 3; POLYCYSTIC KIDNEY DISEASE, ADULT, TYPE III. Identifiers: MedGen C3887964, MONDO:0010916, OMIM 600666.
Polycystic kidney disease, adult type (PKD1). Also called: Polycystic Kidney Disease 1, Autosomal Dominant; Polycystic kidney disease 1; Polycystic kidney disease 1, severe; POLYCYSTIC KIDNEY DISEASE 1 WITH OR WITHOUT POLYCYSTIC LIVER DISEASE; Polycystic Kidney, Autosomal Dominant; POLYCYSTIC KIDNEY DISEASE, ADULT, TYPE I. Identifiers: MedGen C3149841, MONDO:0008263, OMIM 173900.
Polycystic kidney disease. Also called: Kidney, Polycystic; Polycystic kidney dysplasia. Identifiers: MedGen C0022680, MeSH D007690, MONDO:0020642, HP:0000113.

Allele frequency attached by ClinVar (database versions not stated): gnomAD exomes 0.00001 and below 0.00001.
gnomAD v4.1: 7 of 1,596,640 alleles (0.00044%); highest among the groups gnomAD compares: Non-Finnish European, 0.00051%; no homozygotes.

Submissions 1 to 15 of 20:

Genetics Laboratory, Great Ormond Street Hospital NHS Foundation Trust, North Thames Genomic Laboratory Hub
Classification: Likely pathogenic for Cystic renal disease. Last evaluated: 2026-04-14. Review status: criteria provided, single submitter. Criteria: ACGS Best Practice Guidelines for Variant Classification in Rare Disease 2024 v1.2. Collection method: clinical testing. Allele origin: germline. Affected: yes.
Comment: PS4_moderate, PM2_moderate, PP1_strong, PP4_supporting

Victorian Clinical Genetics Services, Murdoch Childrens Research Institute
Classification: Pathogenic for Polycystic kidney disease, adult type. Last evaluated: 2025-12-11. Review status: criteria provided, single submitter. Criteria: ACMG Guidelines, 2015. Collection method: clinical testing. Allele origin: germline. Affected: yes.
Comment: This variant is classified as Pathogenic. Evidence in support of pathogenic classification: Variant is present in gnomAD <0.001 for a dominant condition (v4: 7 heterozygote(s), 0 homozygote(s)); This variant has strong previous evidence of pathogenicity in unrelated individuals. This variant has been classified as pathogenic/likely pathogenic by clinical laboratories in ClinVar. Additional information: Variant is predicted to result in a missense amino acid change from Leu to Ser; This variant is heterozygous; This gene is associated with autosomal dominant disease. Polycystic kidney disease 1 (MIM#173900) is predominantly caused by monoallelic variants, with rare reports of biallelic variants causing disease (OMIM); Variant is not located in an established domain, motif, hotspot or informative constraint region; Missense variant with inconclusive in silico prediction and uninformative conservation; Loss of function is a known mechanism of disease in this gene and is associated with polycystic kidney disease 1 (MIM#173900); Inheritance information for this variant is not currently available in this individual.

Genomic Medicine Center of Excellence, King Faisal Specialist Hospital and Research Centre
Classification: Pathogenic for Polycystic kidney disease, adult type. Last evaluated: 2025-09-10. Review status: criteria provided, single submitter. Criteria: ACMG Guidelines, 2015. Collection method: clinical testing. Allele origin: germline.

Department of Genetics, Rouen University Hospital, Normandy Center for Genomic and Personalized Medicine
Classification: Pathogenic for Polycystic kidney disease, adult type. Last evaluated: 2025-07-09. Review status: criteria provided, single submitter. Criteria: ACMG Guidelines, 2015. Collection method: clinical testing. Allele origin: paternal. Affected: yes.

GeneDx
Classification: Pathogenic. Last evaluated: 2025-06-05. Review status: criteria provided, single submitter. Criteria: GeneDx Variant Classification Process June 2021. Collection method: clinical testing. Allele origin: germline. Affected: yes.
Comment: Not observed at significant frequency in large population cohorts (gnomAD); In silico analysis supports that this missense variant has a deleterious effect on protein structure/function; This variant is associated with the following publications: (PMID: 10854095, 22508176, 10364515, 25266109, 15772804, 23300259, 22383692, 26632257, 31740684, 30816285, 33454723, 35783601, 33532864, 37909612, Durkie2023[paper], 38224954, 38541974, 36186434, 26139440)

Women's Health and Genetics/Laboratory Corporation of America, LabCorp
Classification: Pathogenic for Polycystic kidney disease, adult type. Last evaluated: 2025-05-02. Review status: criteria provided, single submitter. Criteria: LabCorp Variant Classification Summary - May 2015. Collection method: clinical testing. Allele origin: germline.
Comment: Variant summary: PKD1 c.2534T>C (p.Leu845Ser) results in a non-conservative amino acid change in the encoded protein sequence. Algorithms developed to predict the effect of missense changes on protein structure and function are either unavailable or do not agree on the potential impact of this missense change. The variant allele was found at a frequency of 4.3e-06 in 230128 control chromosomes (gnomAD). c.2534T>C has been observed in multiple individuals affected with Polycystic Kidney Disease 1 (e.g., Thomas_1999, Kim_2019, Benson_2021, Domingo-Gallego_2022, Yan_2022, Nigro_2023). These data indicate that the variant is very likely to be associated with disease. The following publications have been ascertained in the context of this evaluation (PMID: 10364515, 26632257, 31740684, 33454723, 33532864, 36186434, 37372416). ClinVar contains an entry for this variant (Variation ID: 8206). Based on the evidence outlined above, the variant was classified as pathogenic.

Blueprint Genetics
Classification: Pathogenic for PKD1-related disorders. Last evaluated: 2024-11-26. Review status: criteria provided, single submitter. Criteria: ACMG Guidelines, 2015. Collection method: clinical testing. Allele origin: germline. Affected: yes. Observed: 5 variant alleles.

Genetic Services Laboratory, University of Chicago
Classification: Likely pathogenic. Last evaluated: 2024-10-15. Review status: criteria provided, single submitter. Criteria: ACMG Guidelines, 2015. Collection method: clinical testing. Allele origin: germline. Affected: yes.
Comment: DNA sequence analysis of the PKD1 gene demonstrated a sequence change, c.2534T>C, in exon 11 that results in an amino acid change, p.Leu845Ser. The p.Leu845Ser change affects a moderately conserved amino acid residue located in a domain of the PKD1 protein that is known to be functional. In-silico pathogenicity prediction tools (SIFT, PolyPhen2, Align GVGD, REVEL) provide contradictory results for the p.Leu845Ser substitution. This amino acid change has been described in the literature in several individuals with autosomal dominant polycystic kidney disease (ADPKD) (PMID: 10364515, 33454723, 31740684, 26632257, 30816285, 15772804, 26139440). This sequence change has been described in the gnomAD database with a frequency of 0.0005% in the European subpopulation (dbSNP rs199476100). Collectively, this evidence indicates that this sequence change is pathogenic, however functional studies have not been performed to prove this conclusively.

3billion
Classification: Pathogenic for Polycystic kidney disease, adult type. Last evaluated: 2023-02-23. Review status: criteria provided, single submitter. Criteria: ACMG Guidelines, 2015. Collection method: clinical testing. Allele origin: unknown. Affected: yes.
Comment: The variant is observed at an extremely low frequency in the gnomAD v2.1.1 dataset (total allele frequency: <0.001%). Protein truncation variants are a common disease-causing mechanism. Same nucleotide change resulting in same amino acid change has been previously reported as pathogenic/likely pathogenic with strong evidence (ClinVar ID: VCV000008206). The variant has been previously reported as de novo in a similarly affected individual (PMID: 26139440). The variant has been observed in multiple (>3) similarly affected unrelated individuals (PMID: 10364515, 15772804, 22383692, 26139440). The variant has been reported to co-segregate with the disease in at least 7 similarly affected relatives/individuals in at least two unrelated families (PMID: 15772804, 22383692). Therefore, this variant is classified as Pathogenic according to the recommendation of ACMG/AMP guideline.

Clinical Genetics Laboratory, Skane University Hospital Lund
Classification: Likely pathogenic. Last evaluated: 2022-05-27. Review status: criteria provided, single submitter. Criteria: ACMG Guidelines, 2015. Collection method: clinical testing. Allele origin: germline. Affected: yes.

Cavalleri Lab, Royal College of Surgeons in Ireland
Classification: Likely pathogenic for Polycystic kidney disease, adult type. Last evaluated: 2020-02-05. Review status: criteria provided, single submitter. Criteria: ACMG Guidelines, 2015. Collection method: research. Allele origin: unknown. Inheritance: Autosomal dominant inheritance. Affected: yes.
Comment: PS1, PP3, PP4

Molecular Biology Laboratory, Fundació Puigvert
Classification: Likely pathogenic for Polycystic kidney disease, adult type. Last evaluated: 2020-02-01. Review status: criteria provided, single submitter. Criteria: ACMG Guidelines, 2015. Collection method: research. Allele origin: germline. Affected: yes. Study: KidneyPanel_2020.

Fulgent Genetics
Classification: Pathogenic for Polycystic kidney disease, adult type. Last evaluated: 2018-10-31. Review status: criteria provided, single submitter. Criteria: ACMG Guidelines, 2015. Collection method: clinical testing. Allele origin: unknown.

Molecular Diagnostics Laboratory, M Health Fairview: University of Minnesota
Classification: Likely pathogenic for Polycystic kidney disease 3 with or without polycystic liver disease. Last evaluated: 2018-03-28. Review status: criteria provided, single submitter. Criteria: ACMG Guidelines, 2015. Collection method: clinical testing. Allele origin: germline. Affected: yes. Observed: 1 variant allele.

Athena Diagnostics
Classification: Pathogenic. Last evaluated: 2017-11-29. Review status: criteria provided, single submitter. Criteria: Athena Diagnostics Criteria. Collection method: clinical testing. Allele origin: germline.

NM_001009944.3(PKD1):c.2534T>C (p.Leu845Ser)

Gene: PKD1 (polycystin 1, transient receptor potential channel interacting; minus strand). Cytogenetic location: 16p13.3.
Variant type: single nucleotide variant.
Coding change: c.2534T>C on transcript NM_001009944.3 (MANE Select); coding-DNA position 2534, T replaced by C.
Protein change: p.Leu845Ser; replaces leucine 845 with serine.
Molecular consequence: missense variant.
Genome position (GRCh38, 1-based): chr16:2,114,489, A>G on the plus strand (T>C on the coding strand, the complement: PKD1 is on the minus strand). VCF-style: chr16-2114489-A-G. GRCh37 (hg19) VCF-style: chr16-2164490-A-G.
Other names: c.2534T>C, p.Leu845Ser (NM_000296.4); short protein forms L845S.
Identifiers: ClinVar variation 8206 (VCV000008206.32), dbSNP rs199476100, ClinGen allele CA119381.